The following is an entry in ClinVar:

ClinVar aggregate classification (germline): Pathogenic (1 of 4 stars; one submission).

Conditions:
Supravalvar aortic stenosis (SVAS). Also called: Supravalvar aortic stenosis, Eisenberg type. Identifiers: Orphanet 3193, MedGen C0003499, MONDO:0008504, OMIM 185500, HP:0004381.

Submission:

Laboratory for Molecular Medicine, Mass General Brigham Personalized Medicine
Classification: Pathogenic for Supravalvular aortic stenosis. Last evaluated: 2011-07-28. Review status: criteria provided, single submitter. Criteria: LMM Criteria. Collection method: clinical testing. Allele origin: germline. Observed: 1 variant allele.
Comment: The Ala582fs variant in ELN has not been reported in the literature nor previous ly been identified by our laboratory. This variant results in a frameshift begin ning at position 582. Two ELN mRNAs have been reported for this position and the Ala582fs variant creates a premature stop in both (31 amino acids downstream: N M_000501.2; 64 amino acids downstream: Tassabehji 1997). A premature stop codon at this position typically leads to mRNA degradation and therefore a heterozygou s loss of function, which is an established mechanism of disease for the ELN gen e (Human Gene Mutation Database, HGMD). Parental studies demonstrated de novo oc currence, which strongly supports a disease causing role.

Literature cited by the submitters: PubMed 9215671.

NM_000501.4(ELN):c.1744del (p.Ala582fs)

Genes: ELN-AS1 (ELN antisense RNA 1; minus strand), ELN (elastin; plus strand). Cytogenetic location: 7q11.23.
Variant type: Deletion.
Coding change: c.1744del on transcript NM_000501.4 (MANE Select); coding-DNA position 1744, one base deleted (G; older notation c.1744delG).
Protein change: p.Ala582fs; shifts the reading frame from alanine 582.
Molecular consequence: frameshift variant.
Genome position (GRCh38, 1-based): chr7:74,060,498, G deleted; the last of 4 consecutive G bases (chr7:74,060,495-74,060,498); deleting any one gives the same sequence. VCF-style (leftmost placement, unchanged base first): chr7-74060494-CG-C. GRCh37 (hg19) VCF-style: chr7-73474824-CG-C.
Other names: (hg19)chr7:g.73474706-73474930:c.1744delG; c.1657del, p.Ala553fs (NM_001081752.3); c.1702del, p.Ala568fs (NM_001081753.3); c.1759del, p.Ala587fs (NM_001081754.3); c.1687del, p.Ala563fs (NM_001081755.3); c.1744del, p.Ala582fs (NM_001278912.2); c.1501del, p.Ala501fs (NM_001278913.2); c.1672del, p.Ala558fs (NM_001278914.2); and 5 more; short protein forms A553fs, A558fs, A611fs, A563fs, A572fs, A501fs, A568fs, A582fs.
Identifiers: ClinVar variation 163395 (VCV000163395.4), dbSNP rs727503783, ClinGen allele CA281477.